The following is an entry in ClinVar:

NM_001142864.4(PIEZO1):c.1384C>T (p.Leu462=)

Genes: HSALR1 (HSP90AB1 associated lncRNA 1; plus strand), PIEZO1 (piezo type mechanosensitive ion channel component 1 (Er blood group); minus strand). Cytogenetic location: 16q24.3.
Variant type: single nucleotide variant.
Coding change: c.1384C>T on transcript NM_001142864.4 (MANE Select); coding-DNA position 1384, C replaced by T.
Protein change: p.Leu462=; no amino-acid change (leucine 462 retained).
Molecular consequence: synonymous variant.
Genome position (GRCh38, 1-based): chr16:88,736,321, G>A on the plus strand (C>T on the coding strand, the complement: PIEZO1 is on the minus strand). VCF-style: chr16-88736321-G-A. GRCh37 (hg19) VCF-style: chr16-88802729-G-A.
Other names: p.Leu462=.
Identifiers: ClinVar variation 4684152 (VCV004684152.1).

ClinVar aggregate classification (germline): Likely benign (1 of 4 stars; one submission).

gnomAD v4.1: 32 of 1,550,072 alleles (0.0021%); highest among the groups gnomAD compares: Non-Finnish European, 0.0026%; no homozygotes.

Submission:

Mayo Clinic Laboratories, Mayo Clinic
Classification: Likely benign. Last evaluated: 2025-03-28. Review status: criteria provided, single submitter. Criteria: ACMG Guidelines, 2015. Collection method: clinical testing. Allele origin: germline. Observed: 1 variant allele.
Comment: BP4, BP7